The following is an entry in ClinVar:

NM_025074.7(FRAS1):c.4450_4451insACAA (p.Ile1484fs)

Gene: FRAS1 (Fraser extracellular matrix complex subunit 1; plus strand). Cytogenetic location: 4q21.21.
Variant type: Insertion.
Coding change: c.4450_4451insACAA on transcript NM_025074.7 (MANE Select); coding-DNA positions 4450 to 4451, ACAA inserted.
Protein change: p.Ile1484fs; shifts the reading frame from isoleucine 1484.
Molecular consequence: frameshift variant.
Genome position: GRCh38 VCF-style: chr4-78418972-T-TAACA. GRCh37 (hg19) VCF-style: chr4-79340126-T-TAACA.
Other names: c.4450_4451insACAA, p.Ile1484fs (NM_001166133.2); short protein forms I1484fs.
Identifiers: ClinVar variation 2826268 (VCV002826268.3), dbSNP rs2477098867, ClinGen allele CA2739270108.

ClinVar aggregate classification (germline): Pathogenic (1 of 4 stars; one submission).

Submission:

Labcorp Genetics (formerly Invitae), Labcorp
Classification: Pathogenic. Last evaluated: 2023-01-05. Review status: criteria provided, single submitter. Criteria: Invitae Variant Classification Sherloc (09022015). Collection method: clinical testing. Allele origin: germline.
Comment: For these reasons, this variant has been classified as Pathogenic. This variant has not been reported in the literature in individuals affected with FRAS1-related conditions. This variant is not present in population databases (gnomAD no frequency). This sequence change creates a premature translational stop signal (p.Ile1484Asnfs*13) in the FRAS1 gene. It is expected to result in an absent or disrupted protein product. Loss-of-function variants in FRAS1 are known to be pathogenic (PMID: 12766769, 18671281).

Literature cited by the submitters: PubMed 12766769; PubMed 18671281.